The following is an entry in ClinVar:

NM_007294.4(BRCA1):c.1237T>G (p.Leu413Val)

Gene: BRCA1 (BRCA1 DNA repair associated; minus strand). Cytogenetic location: 17q21.31.
Variant type: single nucleotide variant.
Coding change: c.1237T>G on transcript NM_007294.4 (MANE Select); coding-DNA position 1237, T replaced by G.
Protein change: p.Leu413Val; replaces leucine 413 with valine.
Molecular consequence: missense variant. On other transcripts: intron variant (137).
Genome position (GRCh38, 1-based): chr17:43,094,294, A>C on the plus strand (T>G on the coding strand, the complement: BRCA1 is on the minus strand). VCF-style: chr17-43094294-A-C. GRCh37 (hg19) VCF-style: chr17-41246311-A-C.
Other names: c.787+450T>G (NM_007298.4, NM_001407978.1, NM_001407979.1 and 19 more transcripts); c.643+450T>G (NM_001408462.1, NM_001408470.1, NM_001408464.1 and 3 more transcripts); c.709+450T>G (NM_001408414.1, NM_001408411.1, NM_001408415.1 and 2 more transcripts); c.577+450T>G (NM_001408514.1, NM_001408485.1, NM_001408483.1 and 9 more transcripts); c.661+450T>G (NM_001408447.1, NM_001408433.1, NM_001408446.1 and 6 more transcripts); c.784+450T>G (NM_001408400.1, NM_001408392.1, NM_001407986.1 and 13 more transcripts); c.664+450T>G (NM_001408441.1, NM_001408437.1, NM_001408429.1 and 12 more transcripts); c.646+450T>G (NM_001408410.1, NM_001408458.1, NM_001408469.1 and 11 more transcripts); and 40 more; short protein forms L413V, L366V, L117V, L301V, L343V, L365V, L286V, L325V.
Identifiers: ClinVar variation 479198 (VCV000479198.8), dbSNP rs574008372, ClinGen allele CA10599580.

ClinVar aggregate classification (germline): Likely benign. Review status: criteria provided, multiple submitters, no conflicts (2 of 4 stars). 2 submissions from 2 submitters: Likely benign (2). Last evaluated 2023-03-23.

Conditions:
Hereditary cancer-predisposing syndrome. Also called: Neoplastic Syndromes, Hereditary; Hereditary Cancer Syndrome; Hereditary neoplastic syndrome; Tumor predisposition. Identifiers: Orphanet 140162, MedGen C0027672, MeSH D009386, MONDO:0015356.

gnomAD v4.1: 3 of 1,614,148 alleles (0.00019%); highest among the groups gnomAD compares: Non-Finnish European, 0.00025%; no homozygotes.

Submissions (2):

University of Washington Department of Laboratory Medicine, University of Washington
Classification: Likely benign for Hereditary cancer-predisposing syndrome. Last evaluated: 2023-03-23. Review status: criteria provided, single submitter. Criteria: Dines et al. (Genet Med. 2020). Collection method: curation. Allele origin: germline.
Comment: Missense variant in a coldspot region where missense variants are very unlikely to be pathogenic (PMID:31911673).

BRCA1 coldspot (exon 11 using historical exon numbering). Reclassification based on statistical prior probability

Ambry Genetics
Classification: Likely benign for Hereditary cancer-predisposing syndrome. Last evaluated: 2016-01-16. Review status: criteria provided, single submitter. Criteria: Ambry Variant Classification Scheme 2023. Collection method: clinical testing. Allele origin: germline.